The following is an entry in ClinVar:

NM_001365536.1(SCN9A):c.1229A>C (p.Gln410Pro)

Genes: SCN1A-AS1 (SCN1A and SCN9A antisense RNA 1; plus strand), SCN9A (sodium voltage-gated channel alpha subunit 9; minus strand). Cytogenetic location: 2q24.3.
Variant type: single nucleotide variant.
Coding change: c.1229A>C on transcript NM_001365536.1 (MANE Select); coding-DNA position 1229, A replaced by C.
Protein change: p.Gln410Pro; replaces glutamine 410 with proline.
Molecular consequence: missense variant.
Genome position (GRCh38, 1-based): chr2:166,288,522, T>G on the plus strand (A>C on the coding strand, the complement: SCN9A is on the minus strand). VCF-style: chr2-166288522-T-G. GRCh37 (hg19) VCF-style: chr2-167145032-T-G.
Other names: c.1229A>C, p.Gln410Pro (NM_002977.4); short protein forms Q410P.
Identifiers: ClinVar variation 3252636 (VCV003252636.1), dbSNP rs2468048288.

ClinVar aggregate classification (germline): Uncertain significance (1 of 4 stars; one submission).

Submission:

GeneDx
Classification: Uncertain significance. Last evaluated: 2023-12-12. Review status: criteria provided, single submitter. Criteria: GeneDx Variant Classification Process June 2021. Collection method: clinical testing. Allele origin: germline. Affected: yes.
Comment: Not observed at significant frequency in large population cohorts (gnomAD); In silico analysis supports that this missense variant has a deleterious effect on protein structure/function; Has not been previously published as pathogenic or benign to our knowledge